The following is an entry in ClinVar:

ClinVar aggregate classification (germline): Pathogenic. Review status: reviewed by expert panel (3 of 4 stars). 3 submissions from 3 submitters: Pathogenic (1). 2 of the submissions do not count toward it. Last evaluated 2017-12-15.

Conditions:
Hereditary cancer-predisposing syndrome. Also called: Neoplastic Syndromes, Hereditary; Hereditary neoplastic syndrome; Tumor predisposition; Hereditary Cancer Syndrome. Identifiers: Orphanet 140162, MedGen C0027672, MeSH D009386, MONDO:0015356.
Breast neoplasm. Also called: Neoplasm of breast; Breast tumor; Neoplasm of the breast; Breast Neoplasms. Identifiers: MedGen C1458155, MeSH D001943, MONDO:0021100, HP:0100013. Disease mechanism: gain of function.
Breast-ovarian cancer, familial, susceptibility to, 1 (BROVCA1). Also called: BRCA1 Hereditary Breast and Ovarian Cancer; OVARIAN CANCER, SUSCEPTIBILITY TO. Identifiers: Orphanet 145, MedGen C2676676, MONDO:0011450, OMIM 604370. Disease mechanism: loss of function.

Submissions (3):

Evidence-based Network for the Interpretation of Germline Mutant Alleles (ENIGMA)
Classification: Pathogenic for Breast-ovarian cancer, familial, susceptibility to, 1. Last evaluated: 2017-12-15. Review status: reviewed by expert panel. Criteria: ENIGMA BRCA1/2 Classification Criteria (2017-06-29). Collection method: curation. Allele origin: germline. Study: ENIGMA.
Comment: Variant allele predicted to encode a truncated non-functional protein.

Ambry Genetics
Classification: Pathogenic for Hereditary cancer-predisposing syndrome. Last evaluated: 2023-05-26. Review status: criteria provided, single submitter. Criteria: Ambry Variant Classification Scheme 2023. Collection method: clinical testing. Allele origin: germline. Not counted in ClinVar's aggregate classification.
Comment: The c.4678_4679delGG pathogenic mutation, located in coding exon 14 of the BRCA1 gene, results from a deletion of two nucleotides at nucleotide positions 4678 to 4679, causing a translational frameshift with a predicted alternate stop codon (p.G1560Nfs*13). This variant was reported in 2 of 480 individuals in Taiwan meeting at least one clinical risk factor for hereditary breast cancer (Wang YA et al. BMC Cancer, 2018 Mar;18:315). This variant is considered to be rare based on population cohorts in the Genome Aggregation Database (gnomAD). In addition to the clinical data presented in the literature, this alteration is expected to result in loss of function by premature protein truncation or nonsense-mediated mRNA decay. As such, this alteration is interpreted as a disease-causing mutation.

Yang An-Suei Laboratory, Academia Sinica
Classification: Pathogenic for breast cancer. Review status: criteria provided, single submitter. Criteria: Submitter's publication. Collection method: clinical testing. Allele origin: germline. Affected: yes. Not counted in ClinVar's aggregate classification.

Literature cited by the submitters: PubMed 29566657 (cited by Ambry Genetics).

NM_007294.4(BRCA1):c.4678_4679del (p.Gly1560fs)

Gene: BRCA1 (BRCA1 DNA repair associated; minus strand). Cytogenetic location: 17q21.31.
Variant type: Deletion.
Coding change: c.4678_4679del on transcript NM_007294.4 (MANE Select); coding-DNA positions 4678 to 4679, 2 bases deleted (GG; older notation c.4678_4679delGG).
Protein change: p.Gly1560fs; shifts the reading frame from glycine 1560.
Molecular consequence: frameshift variant. On other transcripts: non-coding transcript variant (1).
Genome position (GRCh38, 1-based): chr17:43,071,235-43,071,236, CC deleted on the plus strand (GG on the coding strand, the reverse complement: BRCA1 is on the minus strand); deleting any 2 consecutive bases within chr17:43,071,235-43,071,237 gives the same sequence; the c. name uses the placement nearest the transcript's 3' end. VCF-style (leftmost placement, unchanged base first): chr17-43071234-TCC-T. GRCh37 (hg19) VCF-style: chr17-41223251-TCC-T.
Other names: c.4678_4679delGG (NM_007294.3); c.4464_4465delGG, p.Gly1489Asnfs (NM_001407897.1, NM_001407898.1, NM_001407899.1 and 12 more transcripts); c.4461_4462delGG, p.Gly1488Asnfs (NM_001407915.1, NM_001407916.1, NM_001407917.1 and 1 more transcripts); c.4554_4555delGG, p.Gly1519Asnfs (NM_001407919.1, NM_001407937.1, NM_001407938.1 and 6 more transcripts); c.4413_4414delGG, p.Gly1472Asnfs (NM_001407920.1, NM_001407921.1, NM_001407922.1 and 4 more transcripts); c.4410_4411delGG, p.Gly1471Asnfs (NM_001407927.1, NM_001407928.1, NM_001407929.1 and 4 more transcripts); c.4407_4408delGG, p.Gly1470Asnfs (NM_001407934.1, NM_001407935.1, NM_001407936.1); c.4551_4552delGG, p.Gly1518Asnfs (NM_001407939.1, NM_001407940.1, NM_001407670.1 and 11 more transcripts); and 74 more; short protein forms G1560fs, G456fs, G1513fs, G1581fs.
Identifiers: ClinVar variation 430604 (VCV000430604.5), dbSNP rs1555581104, ClinGen allele CA645509504.